The following is an entry in ClinVar:

NM_024642.5(GALNT12):c.1637A>G (p.Lys546Arg)

Gene: GALNT12 (polypeptide N-acetylgalactosaminyltransferase 12; plus strand). Cytogenetic location: 9q22.33.
Variant type: single nucleotide variant.
Coding change: c.1637A>G on transcript NM_024642.5 (MANE Select); coding-DNA position 1637, A replaced by G.
Protein change: p.Lys546Arg; replaces lysine 546 with arginine.
Molecular consequence: missense variant.
Genome position (GRCh38, 1-based): chr9:98,848,983, A>G. VCF-style: chr9-98848983-A-G. GRCh37 (hg19) VCF-style: chr9-101611265-A-G.
Other names: short protein forms K546R.
Identifiers: ClinVar variation 819655 (VCV000819655.12), dbSNP rs374166991, ClinGen allele CA5154332.

ClinVar aggregate classification (germline): Uncertain significance. Review status: criteria provided, multiple submitters, no conflicts (2 of 4 stars). 3 submissions from 3 submitters: Uncertain significance (3). Last evaluated 2025-04-18.

Conditions:
Colorectal cancer, susceptibility to, 1. Also called: COLORECTAL ADENOMA AND CANCER, SUSCEPTIBILITY TO; COLORECTAL CANCER, SUSCEPTIBILITY TO, ON CHROMOSOME 9. Identifiers: MedGen C1837315, MONDO:0012132, OMIM 608812.

Allele frequency attached by ClinVar (database versions not stated): gnomAD exomes below 0.00001 and 0.00001; ExAC 0.00001; gnomAD 0.00002; TOPMed 0.00002; ESP Exome Variant Server 0.00008.
gnomAD v4.1: 4 of 1,614,234 alleles (0.00025%); highest among the groups gnomAD compares: African/African-American, 0.0053%; no homozygotes.

Submissions (3):

Ambry Genetics
Classification: Uncertain significance. Last evaluated: 2025-04-18. Review status: criteria provided, single submitter. Criteria: Ambry Variant Classification Scheme 2023. Collection method: clinical testing. Allele origin: germline.
Comment: The p.K546R variant (also known as c.1637A>G), located in coding exon 10 of the GALNT12 gene, results from an A to G substitution at nucleotide position 1637. The lysine at codon 546 is replaced by arginine, an amino acid with highly similar properties. This amino acid position is highly conserved in available vertebrate species. In addition, this alteration is predicted to be tolerated by in silico analysis. Since supporting evidence is limited at this time, the clinical significance of this alteration remains unclear.

Baylor Genetics
Classification: Uncertain significance for Colorectal cancer, susceptibility to, 1. Last evaluated: 2024-02-01. Review status: criteria provided, single submitter. Criteria: ACMG Guidelines, 2015. Collection method: clinical testing. Allele origin: unknown.

Labcorp Genetics (formerly Invitae), Labcorp
Classification: Uncertain significance. Last evaluated: 2023-02-04. Review status: criteria provided, single submitter. Criteria: Invitae Variant Classification Sherloc (09022015). Collection method: clinical testing. Allele origin: germline.
Comment: This variant is present in population databases (rs374166991, gnomAD 0.01%). In summary, the available evidence is currently insufficient to determine the role of this variant in disease. Therefore, it has been classified as a Variant of Uncertain Significance. Advanced modeling of protein sequence and biophysical properties (such as structural, functional, and spatial information, amino acid conservation, physicochemical variation, residue mobility, and thermodynamic stability) performed at Invitae indicates that this missense variant is not expected to disrupt GALNT12 protein function. ClinVar contains an entry for this variant (Variation ID: 819655). This variant has not been reported in the literature in individuals affected with GALNT12-related conditions. This sequence change replaces lysine, which is basic and polar, with arginine, which is basic and polar, at codon 546 of the GALNT12 protein (p.Lys546Arg).